The following is an entry in ClinVar:

NM_001292063.2(OTOG):c.5459C>T (p.Ala1820Val)

Gene: OTOG (otogelin; plus strand). Cytogenetic location: 11p15.1.
Variant type: single nucleotide variant.
Coding change: c.5459C>T on transcript NM_001292063.2 (MANE Select); coding-DNA position 5459, C replaced by T.
Protein change: p.Ala1820Val; replaces alanine 1820 with valine.
Molecular consequence: missense variant.
Genome position (GRCh38, 1-based): chr11:17,610,759, C>T. VCF-style: chr11-17610759-C-T. GRCh37 (hg19) VCF-style: chr11-17632306-C-T.
Other names: c.5495C>T, p.Ala1832Val (NM_001277269.2); short protein forms A1832V, A1820V.
Identifiers: ClinVar variation 226898 (VCV000226898.15), dbSNP rs1003490, ClinGen allele CA5905924.

ClinVar aggregate classification (germline): Benign. Review status: criteria provided, multiple submitters, no conflicts (2 of 4 stars). 5 submissions from 5 submitters: Benign (5). Last evaluated 2026-02-02.

Allele frequency attached by ClinVar (database versions not stated): TOPMed 0.13919; 1000 Genomes Project 30x 0.09572; 1000 Genomes Project 0.09784.
gnomAD v4.1: 253,693 of 1,549,832 alleles (16%); highest among the groups gnomAD compares: Non-Finnish European, 18%; 22,213 homozygotes.

Submissions (5):

Labcorp Genetics (formerly Invitae), Labcorp
Classification: Benign. Last evaluated: 2026-02-02. Review status: criteria provided, single submitter. Criteria: Invitae Variant Classification Sherloc (09022015). Collection method: clinical testing. Allele origin: germline.

Mayo Clinic Laboratories, Mayo Clinic
Classification: Benign. Last evaluated: 2020-10-20. Review status: criteria provided, single submitter. Criteria: ACMG Guidelines, 2015. Collection method: clinical testing. Allele origin: germline. Observed: 38 variant alleles.

GeneDx
Classification: Benign. Last evaluated: 2017-05-09. Review status: criteria provided, single submitter. Criteria: GeneDx Variant Classification (06012015). Collection method: clinical testing. Allele origin: germline. Affected: yes.
Comment: This variant is considered likely benign or benign based on one or more of the following criteria: it is a conservative change, it occurs at a poorly conserved position in the protein, it is predicted to be benign by multiple in silico algorithms, and/or has population frequency not consistent with disease.

Laboratory for Molecular Medicine, Mass General Brigham Personalized Medicine
Classification: Benign. Last evaluated: 2014-11-24. Review status: criteria provided, single submitter. Criteria: LMM Criteria. Collection method: clinical testing. Allele origin: germline. Observed: 263 variant alleles.
Comment: Ala1832Val in exon 35 of OTOG: This variant is not expected to have clinical sig nificance because it has been identified in 22.4% (38/170) of European American chromosomes from a broad population by the 1000 Genomes Project (.; dbSNP rs1003490).

Breakthrough Genomics
Classification: Benign. Review status: criteria provided, single submitter. Criteria: ACMG Guidelines, 2015. Collection method: not provided. Allele origin: germline. Inheritance: Autosomal recessive inheritance. Affected: yes.